The following is an entry in ClinVar:

NM_001204.7(BMPR2):c.2867-3C>G

Gene: BMPR2 (bone morphogenetic protein receptor type 2; plus strand). Cytogenetic location: 2q33.2.
Variant type: single nucleotide variant.
Coding change: c.2867-3C>G on transcript NM_001204.7 (MANE Select); 3 bases into the intron before coding-DNA position 2867, C replaced by G.
Molecular consequence: intron variant.
Genome position (GRCh38, 1-based): chr2:202,559,693, C>G. VCF-style: chr2-202559693-C-G. GRCh37 (hg19) VCF-style: chr2-203424416-C-G.
Identifiers: ClinVar variation 3382339 (VCV003382339.3).

ClinVar aggregate classification (germline): Uncertain significance. Review status: criteria provided, multiple submitters, no conflicts (2 of 4 stars). 2 submissions from 2 submitters: Uncertain significance (2). Last evaluated 2025-07-09.

Conditions:
Pulmonary hypertension, primary, 1 (PPH1). Also called: Pulmonary hypertension, familial primary, 1, with or without HHT. Identifiers: Orphanet 422, MedGen C4552070, MONDO:0024533, OMIM 178600.
Pulmonary venoocclusive disease 1 (PVOD1). Also called: Pulmonary venoocclusive disease 1, autosomal dominant. Identifiers: Orphanet 31837, MedGen C3887658, MONDO:0020713, OMIM 265450.

gnomAD v4.1: 31 of 1,613,870 alleles (0.0019%); highest among the groups gnomAD compares: East Asian, 0.069%; no homozygotes.

Submissions (2):

GeneDx
Classification: Uncertain significance. Last evaluated: 2025-07-09. Review status: criteria provided, single submitter. Criteria: GeneDx Variant Classification Process June 2021. Collection method: clinical testing. Allele origin: germline. Affected: yes.
Comment: In silico analysis supports a deleterious effect on splicing; Has not been previously published as pathogenic or benign to our knowledge

Juno Genomics, Hangzhou Juno Genomics, Inc
Classification: Uncertain significance for Pulmonary hypertension, primary, 1; Pulmonary venoocclusive disease 1. Review status: criteria provided, single submitter. Criteria: ACMG Guidelines, 2015. Collection method: clinical testing. Allele origin: germline. Affected: yes.
Comment: Absent from controls (or at extremely low frequency if recessive) in Genome Aggregation Database, Exome Sequencing Project, 1000 Genomes Project, or Exome Aggregation Consortium.;Multiple lines of computational evidence support a deleterious effect on the gene or gene product (conservation, evolutionary, splicing impact, etc).;Patient's phenotype or family history is highly specific for a disease with a single genetic etiology.